The following is an entry in ClinVar:

ClinVar aggregate classification (germline): Uncertain significance. Review status: criteria provided, single submitter (1 of 4 stars). 2 submissions from 2 submitters: Uncertain significance (1). 1 of the submissions does not count toward it. Last evaluated 2024-10-23.

Conditions:
INPP5E-related disorder. Also called: INPP5E-related condition.
Joubert syndrome. Also called: CEREBELLOPARENCHYMAL DISORDER IV; JOUBERT-BOLTSHAUSER SYNDROME; Familial aplasia of the vermis. Identifiers: Orphanet 475, MedGen C5979921, MONDO:0018772.

gnomAD v4.1: 11 of 1,613,524 alleles (0.00068%); highest among the groups gnomAD compares: African/African-American, 0.004%; no homozygotes.

Submissions (2):

Labcorp Genetics (formerly Invitae), Labcorp
Classification: Uncertain significance for Joubert syndrome. Last evaluated: 2024-10-23. Review status: criteria provided, single submitter. Criteria: Invitae Variant Classification Sherloc (09022015). Collection method: clinical testing. Allele origin: germline.
Comment: This sequence change affects codon 397 of the INPP5E mRNA. It is a 'silent' change, meaning that it does not change the encoded amino acid sequence of the INPP5E protein. This variant is present in population databases (no rsID available, gnomAD 0.007%). This variant has not been reported in the literature in individuals affected with INPP5E-related conditions. ClinVar contains an entry for this variant (Variation ID: 1417138). Algorithms developed to predict the effect of sequence changes on RNA splicing suggest that this variant may disrupt the consensus splice site. In summary, the available evidence is currently insufficient to determine the role of this variant in disease. Therefore, it has been classified as a Variant of Uncertain Significance.

PreventionGenetics, part of Exact Sciences
Classification: Likely benign for INPP5E-related condition. Last evaluated: 2024-01-09. Review status: no assertion criteria provided. Collection method: clinical testing. Allele origin: germline. Not counted in ClinVar's aggregate classification.
Comment: This variant is classified as likely benign based on ACMG/AMP sequence variant interpretation guidelines (Richards et al. 2015 PMID: 25741868, with internal and published modifications).

NM_019892.6(INPP5E):c.1191C>A (p.Ile397=)

Gene: INPP5E (inositol polyphosphate-5-phosphatase E; minus strand). Cytogenetic location: 9q34.3.
Variant type: single nucleotide variant.
Coding change: c.1191C>A on transcript NM_019892.6 (MANE Select); coding-DNA position 1191, C replaced by A.
Protein change: p.Ile397=; no amino-acid change (isoleucine 397 retained).
Molecular consequence: synonymous variant.
Genome position (GRCh38, 1-based): chr9:136,433,044, G>T on the plus strand (C>A on the coding strand, the complement: INPP5E is on the minus strand). VCF-style: chr9-136433044-G-T. GRCh37 (hg19) VCF-style: chr9-139327496-G-T.
Other names: c.1191C>A, p.Ile397= (NM_001318502.2); c.1191C>A (NM_019892.5).
Identifiers: ClinVar variation 1417138 (VCV001417138.9), dbSNP rs558778286, ClinGen allele CA467721859.